The following is an entry in ClinVar:

NM_025137.4(SPG11):c.1275A>G (p.Ile425Met)

Gene: SPG11 (SPG11 vesicle trafficking associated, spatacsin; minus strand). Cytogenetic location: 15q21.1.
Variant type: single nucleotide variant.
Coding change: c.1275A>G on transcript NM_025137.4 (MANE Select); coding-DNA position 1275, A replaced by G.
Protein change: p.Ile425Met; replaces isoleucine 425 with methionine.
Molecular consequence: missense variant.
Genome position (GRCh38, 1-based): chr15:44,651,672, T>C on the plus strand (A>G on the coding strand, the complement: SPG11 is on the minus strand). VCF-style: chr15-44651672-T-C. GRCh37 (hg19) VCF-style: chr15-44943870-T-C.
Other names: c.1275A>G, p.Ile425Met (NM_001160227.2); short protein forms I425M.
Identifiers: ClinVar variation 941438 (VCV000941438.7), dbSNP rs978081175, ClinGen allele CA270102361.
Genomic context (GRCh38, chr15:44,651,672, plus strand): 5'-CCTTTCCACTTCCCAAGTAAACAGTGCAGTGAATCCTGTCACAGACACACATTTAAGCTC[T>C]ATGGGTTCCTCTTGTTCACTGATGTGCATTATTTTCCATGATCTTCCTGGATCACTGGTC-3'
Protein context (NP_079413.3, residues 415-435): IMHISEQEEP[Ile425Met]ELKCVSVTGF

ClinVar aggregate classification (germline): Uncertain significance. Review status: criteria provided, multiple submitters, no conflicts (2 of 4 stars). 3 submissions from 3 submitters: Uncertain significance (3). Last evaluated 2026-01-16.

Conditions:
Hereditary spastic paraplegia 11. Also called: Spastic Paraplegia 11; SPASTIC PARAPLEGIA, AUTOSOMAL RECESSIVE, COMPLICATED, WITH THIN CORPUS CALLOSUM; SPASTIC PARAPLEGIA, AUTOSOMAL RECESSIVE, WITH MENTAL IMPAIRMENT AND THIN CORPUS CALLOSUM; Nakamura Osame syndrome; Autosomal recessive hereditary spastic paraplegia, mental impairment, and thin corpus callosum; Spastic paraplegia, mental retardation and thin corpus callosum. Identifiers: Orphanet 2822, MedGen C1858479, MONDO:0011445, OMIM 604360.
SPG11-related disorder. Also called: SPG11-related condition.

Allele frequency attached by ClinVar (database versions not stated): gnomAD exomes below 0.00001.
gnomAD v4.1: 1 of 1,611,514 alleles (0.000062%); highest among the groups gnomAD compares: Non-Finnish European, 0.000085%; no homozygotes.

Submissions (3):

Women's Health and Genetics/Laboratory Corporation of America, LabCorp
Classification: Uncertain significance. Last evaluated: 2026-01-16. Review status: criteria provided, single submitter. Criteria: LabCorp Variant Classification Summary - May 2015. Collection method: clinical testing. Allele origin: germline.
Comment: Variant summary: SPG11 c.1275A>G (p.Ile425Met) results in a conservative amino acid change in the encoded protein sequence. Algorithms developed to predict the effect of missense changes on protein structure and function all suggest that this variant is likely to be tolerated. The variant was absent in 251470 control chromosomes. The available data on variant occurrences in the general population are insufficient to allow any conclusion about variant significance. To our knowledge, no occurrence of c.1275A>G in individuals affected with SPG11-related conditions and no experimental evidence demonstrating its impact on protein function have been reported. ClinVar contains an entry for this variant (Variation ID: 941438). Based on the evidence outlined above, the variant was classified as uncertain significance.

PreventionGenetics, part of Exact Sciences
Classification: Uncertain significance for SPG11-related condition. Last evaluated: 2025-02-08. Review status: criteria provided, single submitter. Criteria: ACMG Guidelines, 2015. Collection method: clinical testing. Allele origin: germline.
Comment: The SPG11 c.1275A>G variant is predicted to result in the amino acid substitution p.Ile425Met. To our knowledge, this variant has not been reported in the literature or in a large population database (gnomAD), indicating this variant is rare. At this time, the clinical significance of this variant is uncertain due to the absence of conclusive functional and genetic evidence.

Labcorp Genetics (formerly Invitae), Labcorp
Classification: Uncertain significance for Hereditary spastic paraplegia 11. Last evaluated: 2022-06-04. Review status: criteria provided, single submitter. Criteria: Invitae Variant Classification Sherloc (09022015). Collection method: clinical testing. Allele origin: germline.
Comment: This sequence change replaces isoleucine, which is neutral and non-polar, with methionine, which is neutral and non-polar, at codon 425 of the SPG11 protein (p.Ile425Met). This variant is not present in population databases (gnomAD no frequency). This variant has not been reported in the literature in individuals affected with SPG11-related conditions. ClinVar contains an entry for this variant (Variation ID: 941438). Algorithms developed to predict the effect of missense changes on protein structure and function (SIFT, PolyPhen-2, Align-GVGD) all suggest that this variant is likely to be tolerated. In summary, the available evidence is currently insufficient to determine the role of this variant in disease. Therefore, it has been classified as a Variant of Uncertain Significance.